The following is an entry in ClinVar:

ClinVar aggregate classification (germline): Uncertain significance. Review status: criteria provided, multiple submitters, no conflicts (2 of 4 stars). 2 submissions from 2 submitters: Uncertain significance (2). Last evaluated 2020-10-10.

Submissions (2):

Laboratory for Molecular Medicine, Mass General Brigham Personalized Medicine
Classification: Uncertain significance. Last evaluated: 2020-10-10. Review status: criteria provided, single submitter. Criteria: LMM Criteria. Collection method: clinical testing. Allele origin: germline. Inheritance: Autosomal dominant inheritance. Observed: 1 variant allele.
Comment: The p.Arg706Thr variant in MYH7 has not been previously reported in individuals with cardiomyopathy or in large population studies. Computational prediction tools and conservation analyses suggest that this variant may impact the protein, though this information is not predictive enough to determine pathogenicity. In summary, the clinical significance of this variant is uncertain. ACMG/AMP Criteria applied: PM2, PP3.

GeneDx
Classification: Uncertain significance. Last evaluated: 2020-10-02. Review status: criteria provided, single submitter. Criteria: GeneDx Variant Classification Process June 2021. Collection method: clinical testing. Allele origin: germline. Affected: yes.
Comment: Has not been previously published as pathogenic or benign to our knowledge; Reported in ClinVar as a variant of uncertain significance (ClinVar Variant ID# 42881; Landrum et al., 2016); Not observed in large population cohorts (Lek et al., 2016); In silico analysis supports that this missense variant has a deleterious effect on protein structure/function

NM_000257.4(MYH7):c.2117G>C (p.Arg706Thr)

Gene: MYH7 (myosin heavy chain 7; minus strand). Cytogenetic location: 14q11.2.
Variant type: single nucleotide variant.
Coding change: c.2117G>C on transcript NM_000257.4 (MANE Select); coding-DNA position 2117, G replaced by C.
Protein change: p.Arg706Thr; replaces arginine 706 with threonine.
Molecular consequence: missense variant.
Genome position (GRCh38, 1-based): chr14:23,426,009, C>G on the plus strand (G>C on the coding strand, the complement: MYH7 is on the minus strand). VCF-style: chr14-23426009-C-G. GRCh37 (hg19) VCF-style: chr14-23895218-C-G.
Other names: short protein forms R706T.
Identifiers: ClinVar variation 42881 (VCV000042881.8), dbSNP rs397516133, ClinGen allele CA011712.